The following is an entry in ClinVar:

NM_001009944.3(PKD1):c.10099A>G (p.Ile3367Val)

Gene: PKD1 (polycystin 1, transient receptor potential channel interacting; minus strand). Cytogenetic location: 16p13.3.
Variant type: single nucleotide variant.
Coding change: c.10099A>G on transcript NM_001009944.3 (MANE Select); coding-DNA position 10099, A replaced by G.
Protein change: p.Ile3367Val; replaces isoleucine 3367 with valine.
Molecular consequence: missense variant.
Genome position (GRCh38, 1-based): chr16:2,097,936, T>C on the plus strand (A>G on the coding strand, the complement: PKD1 is on the minus strand). VCF-style: chr16-2097936-T-C. GRCh37 (hg19) VCF-style: chr16-2147937-T-C.
Other names: c.10099A>G, p.Ile3367Val (NM_000296.4); c.10099A>G (NM_000296.3); short protein forms I3367V.
Identifiers: ClinVar variation 1306678 (VCV001306678.10), dbSNP rs773989174, ClinGen allele CA7829811.
Genomic context (GRCh38, chr16:2,097,936, plus strand): 5'-GGAGGCCTGAGAACGTGAGGAAGGAGCTGTCCAGCACGGACGAGTCCAGGCAGCTGTCGA[T>C]GTCCAGCACCTGCTGCCCGGCAGGTGTGGGGCTCGGGCTCCCAGCCACCTGCAGGACGAG-3'
Protein context (NP_001009944.3, residues 3357-3377): PTPAGQQVLD[Ile3367Val]DSCLDSSVLD

ClinVar aggregate classification (germline): Conflicting classifications of pathogenicity. Review status: criteria provided, conflicting classifications (1 of 4 stars). 5 submissions from 5 submitters: Uncertain significance (4); Likely benign (1). Last evaluated 2026-07-01.

Conditions:
Inborn genetic diseases. Identifiers: MedGen C0950123, MeSH D030342.
PKD1-related disorder. Also called: PKD1-related condition.

Allele frequency attached by ClinVar (database versions not stated): gnomAD exomes 0.00005 and 0.00009; TOPMed 0.00006; gnomAD 0.00009 and 0.00011; ExAC 0.00015.
gnomAD v4.1: 98 of 1,603,950 alleles (0.0061%); highest among the groups gnomAD compares: African/African-American, 0.0067%; no homozygotes.

Submissions (5):

CeGaT Center for Human Genetics Tuebingen
Classification: Uncertain significance. Last evaluated: 2026-07-01. Review status: criteria provided, single submitter. Criteria: CeGaT Center For Human Genetics Tuebingen Variant Classification Criteria Version 2. Collection method: clinical testing. Allele origin: germline. Affected: yes. Observed: 1 variant allele.
Comment: PKD1: PM2, BP4

PreventionGenetics, part of Exact Sciences
Classification: Uncertain significance for PKD1-related condition. Last evaluated: 2025-04-18. Review status: criteria provided, single submitter. Criteria: ACMG Guidelines, 2015. Collection method: clinical testing. Allele origin: germline.
Comment: The PKD1 c.10099A>G variant is predicted to result in the amino acid substitution p.Ile3367Val. This variant has been reported in an individual with a polycystic kidney disease phenotype, but was classified as a polymorphism (JHU564, Supplementary Table 4, Garcia-Gonzalez et al. 2007. PubMed ID: 17574468). This variant is reported in 0.011% of alleles in individuals of European (Non-Finnish) descent in gnomAD. At this position is a valine (Val) in mouse and rat. Although we suspect this variant may be benign, the clinical significance of this variant is uncertain due to the absence of conclusive functional and genetic evidence.

Women's Health and Genetics/Laboratory Corporation of America, LabCorp
Classification: Uncertain significance. Last evaluated: 2024-03-28. Review status: criteria provided, single submitter. Criteria: LabCorp Variant Classification Summary - May 2015. Collection method: clinical testing. Allele origin: germline.
Comment: Variant summary: PKD1 c.10099A>G (p.Ile3367Val) results in a conservative amino acid change in the encoded protein sequence. Five of five in-silico tools predict a benign effect of the variant on protein function. The variant allele was found at a frequency of 8.5e-05 in 222432 control chromosomes (gnomAD). This frequency is not significantly higher than estimated for a pathogenic variant in PKD1 causing Polycystic Kidney Disease 1 (8.5e-05 vs 0.0005), allowing no conclusion about variant significance. c.10099A>G has been reported in the literature as a polymorphism in a patient with autosomal dominant polycystic kidney disease (Garcia-Gonzalez_2007). This report does not provide unequivocal conclusions about association of the variant with Polycystic Kidney Disease 1. To our knowledge, no experimental evidence demonstrating an impact on protein function has been reported. The following publication has been ascertained in the context of this evaluation (PMID: 17574468). ClinVar contains an entry for this variant (Variation ID: 1306678). Based on the evidence outlined above, the variant was classified as uncertain significance.

GeneDx
Classification: Uncertain significance. Last evaluated: 2024-03-05. Review status: criteria provided, single submitter. Criteria: GeneDx Variant Classification Process June 2021. Collection method: clinical testing. Allele origin: germline. Affected: yes.
Comment: Identified and classified as a polymorphism in a patient with autosomal dominant polycystic kidney disease in published literature (PMID: 17574468); In silico analysis supports that this missense variant does not alter protein structure/function; This variant is associated with the following publications: (PMID: 17574468)

Ambry Genetics
Classification: Likely benign for Inborn genetic diseases. Last evaluated: 2023-08-25. Review status: criteria provided, single submitter. Criteria: Ambry Variant Classification Scheme 2023. Collection method: clinical testing. Allele origin: germline.

Literature cited by the submitters: PubMed 17574468 (cited by Women's Health and Genetics/Laboratory Corporation of America, LabCorp).